The following is an entry in ClinVar:

ClinVar aggregate classification (germline): Pathogenic (1 of 4 stars; one submission).

Submission:

Quest Diagnostics Nichols Institute San Juan Capistrano
Classification: Pathogenic. Last evaluated: 2024-05-30. Review status: criteria provided, single submitter. Criteria: ACMG/ClinGen CNV Guidelines, 2019. Collection method: clinical testing. Allele origin: unknown.
Comment: This copy number loss represents the recurrent proximal (BP4-BP5) 15q13.3 microdeletion syndrome (OMIM 612001; ISCA-37411; van Bon 2022, Lowther 2015). CHRNA7 and OTUD7A are the primary candidate genes for neuropsychiatric manifestations of this syndrome (Gillentine 2015, Kozlova 2022). This copy number variant (CNV) is classified as pathogenic. References: Gillentine et al., Biochem Pharmacol. 2015 Oct 15;97(4):352-62. PMID: 26095975; Kozlova et al., Am J Hum Genet. 2022 Aug 4;109(8):1500-1519. PMID: 35931052; Lowther et al., Genet Med. 2015 Feb;17(2):149-57. PMID: 25077648; van Bon et al. GeneReviews [Internet]. [2022 Nov 17]. PMID 21290787

GRCh37/hg19 15q13.2-13.3(chr15:30913574-32446830)x1

Genes: ARHGAP11B (Rho GTPase activating protein 11B), CHRNA7 (cholinergic receptor nicotinic alpha 7 subunit), FAN1 (FANCD2 and FANCI associated nuclease 1; plus strand), KLF13 (KLF transcription factor 13; plus strand), MIR211 (microRNA 211; minus strand) and 3 more. Cytogenetic location: 15q13.2-13.3.
Variant type: copy number loss.
Change: copy number 1 (one copy instead of two) of chr15:30,913,574-32,446,830 (1.53 Mb, GRCh37 coordinates, 1-based), cytogenetic band 15q13.2-13.3.
Identifiers: ClinVar variation 1808682 (VCV001808682.2).